The following is an entry in ClinVar:

ClinVar aggregate classification (germline): Uncertain significance (1 of 4 stars; one submission).

Conditions:
Beckwith-Wiedemann syndrome (BWS). Also called: Exomphalos macroglossia gigantism syndrome; EMG SYNDROME. Identifiers: Orphanet 116, MedGen C0004903, MONDO:0007534, OMIM 130650.

Submission:

Labcorp Genetics (formerly Invitae), Labcorp
Classification: Uncertain significance for Beckwith-Wiedemann syndrome. Last evaluated: 2022-08-23. Review status: criteria provided, single submitter. Criteria: Invitae Variant Classification Sherloc (09022015). Collection method: clinical testing. Allele origin: germline.
Comment: This sequence change falls in intron 1 of the CDKN1C gene. It does not directly change the encoded amino acid sequence of the CDKN1C protein. In summary, the available evidence is currently insufficient to determine the role of this variant in disease. Therefore, it has been classified as a Variant of Uncertain Significance. Algorithms developed to predict the effect of sequence changes on RNA splicing suggest that this variant may disrupt the consensus splice site. ClinVar contains an entry for this variant (Variation ID: 132868). This variant has been observed in individual(s) with clinical features of Beckwith–Wiedemann syndrome (PMID: 26077438). This variant is not present in population databases (gnomAD no frequency).

Literature cited by the submitters: PubMed 26077438.

NM_001122630.2(CDKN1C):c.788-9C>A

Gene: CDKN1C (cyclin dependent kinase inhibitor 1C; minus strand). Cytogenetic location: 11p15.4.
Variant type: single nucleotide variant.
Coding change: c.788-9C>A on transcript NM_001122630.2 (MANE Select); 9 bases into the intron before coding-DNA position 788, C replaced by A.
Molecular consequence: intron variant.
Genome position (GRCh38, 1-based): chr11:2,884,143, G>T on the plus strand (C>A on the coding strand, the complement: CDKN1C is on the minus strand). VCF-style: chr11-2884143-G-T. GRCh37 (hg19) VCF-style: chr11-2905373-G-T.
Other names: c.256-9C>A (NM_001362475.2); c.788-9C>A (NM_001122631.2); c.821-9C>A (NM_001362474.2, LRG_533t1, NM_000076.2).
Identifiers: ClinVar variation 132868 (VCV000132868.6), dbSNP rs483352995, ClinGen allele CA216366975.